The following is an entry in ClinVar:

NM_178170.3(NEK8):c.1909T>C (p.Trp637Arg)

Gene: NEK8 (NIMA related kinase 8; plus strand). Cytogenetic location: 17q11.2.
Variant type: single nucleotide variant.
Coding change: c.1909T>C on transcript NM_178170.3 (MANE Select); coding-DNA position 1909, T replaced by C.
Protein change: p.Trp637Arg; replaces tryptophan 637 with arginine.
Molecular consequence: missense variant.
Genome position (GRCh38, 1-based): chr17:28,741,430, T>C. VCF-style: chr17-28741430-T-C. GRCh37 (hg19) VCF-style: chr17-27068448-T-C.
Other names: short protein forms W637R.
Identifiers: ClinVar variation 4998346 (VCV004998346.1).

ClinVar aggregate classification (germline): Uncertain significance (1 of 4 stars; one submission).

Conditions:
NEK8-related disorder. Also called: NEK8-related condition.

gnomAD v4.1: 3 of 1,614,020 alleles (0.00019%); highest among the groups gnomAD compares: Non-Finnish European, 0.00025%; no homozygotes.

Submission:

PreventionGenetics, part of Exact Sciences
Classification: Uncertain significance for NEK8-related condition. Last evaluated: 2025-02-17. Review status: criteria provided, single submitter. Criteria: ACMG Guidelines, 2015. Collection method: clinical testing. Allele origin: germline.
Comment: The NEK8 c.1909T>C variant is predicted to result in the amino acid substitution p.Trp637Arg. To our knowledge, this variant has not been reported in the literature or in a large population database (gnomAD), indicating this variant is rare. At this time, the clinical significance of this variant is uncertain due to the absence of conclusive functional and genetic evidence.